The following is an entry in ClinVar:

ClinVar aggregate classification (germline): Benign/Likely benign. Review status: criteria provided, multiple submitters, no conflicts (2 of 4 stars). 12 submissions from 12 submitters: Benign (9); Likely benign (2). 1 of the submissions does not count toward it. Last evaluated 2026-02-04.

Conditions:
Bilateral frontoparietal polymicrogyria. Also called: CEREBELLAR ATAXIA WITH NEURONAL MIGRATION DEFECT; CORTICAL DYSPLASIA, COMPLEX, WITH OTHER BRAIN MALFORMATIONS 14A (BILATERAL FRONTOPARIETAL). Identifiers: Orphanet 101070, MedGen C1847352, MONDO:0011738, OMIM 606854.

Allele frequency attached by ClinVar (database versions not stated): ESP Exome Variant Server 0.60519; TOPMed 0.63718; 1000 Genomes Project 0.72085; 1000 Genomes Project 30x 0.72158.
gnomAD v4.1: 846,909 of 1,613,186 alleles (52%); highest among the groups gnomAD compares: African/African-American, 83%; 231,092 homozygotes.

Submissions (12):

Labcorp Genetics (formerly Invitae), Labcorp
Classification: Benign. Last evaluated: 2026-02-04. Review status: criteria provided, single submitter. Criteria: Invitae Variant Classification Sherloc (09022015). Collection method: clinical testing. Allele origin: germline.

Blueprint Genetics
Classification: Benign. Last evaluated: 2024-11-27. Review status: criteria provided, single submitter. Criteria: ACMG Guidelines, 2015. Collection method: clinical testing. Allele origin: germline.

Genome-Nilou Lab
Classification: Benign for Bilateral frontoparietal polymicrogyria. Last evaluated: 2021-07-10. Review status: criteria provided, single submitter. Criteria: ACMG Guidelines, 2015. Collection method: clinical testing. Allele origin: germline. Affected: no.

Athena Diagnostics
Classification: Benign. Last evaluated: 2018-05-06. Review status: criteria provided, single submitter. Criteria: Athena Diagnostics Criteria. Collection method: clinical testing. Allele origin: germline.

Mayo Clinic Laboratories, Mayo Clinic
Classification: Benign. Last evaluated: 2018-04-02. Review status: criteria provided, single submitter. Criteria: ACMG Guidelines, 2015. Collection method: clinical testing. Allele origin: germline. Observed: 430 variant alleles.

Illumina Laboratory Services, Illumina
Classification: Benign for Bilateral frontoparietal polymicrogyria. Last evaluated: 2018-01-13. Review status: criteria provided, single submitter. Criteria: ICSL Variant Classification Criteria 13 December 2019. Collection method: clinical testing. Allele origin: germline.
Comment: This variant was observed in the ICSL laboratory as part of a predisposition screen in an ostensibly healthy population. It had not been previously curated by ICSL or reported in the Human Gene Mutation Database (HGMD: prior to June 1st, 2018), and was therefore a candidate for classification through an automated scoring system. Utilizing variant allele frequency, disease prevalence and penetrance estimates, and inheritance mode, an automated score was calculated to assess if this variant is too frequent to cause the disease. Based on the score and internal cut-off values, a variant classified as benign is not then subjected to further curation. The score for this variant resulted in a classification of benign for this disease.

Eurofins Ntd Llc (ga)
Classification: Benign. Last evaluated: 2014-06-12. Review status: criteria provided, single submitter. Criteria: EGL Classification Definitions 2015. Collection method: clinical testing. Allele origin: germline. Observed: 3 variant alleles, 2 heterozygotes, 1 homozygote.

GeneDx
Classification: Benign. Last evaluated: 2013-10-30. Review status: criteria provided, single submitter. Criteria: GeneDx Variant Classification (06012015). Collection method: clinical testing. Allele origin: germline. Affected: yes.
Comment: This variant is considered likely benign or benign based on one or more of the following criteria: it is a conservative change, it occurs at a poorly conserved position in the protein, it is predicted to be benign by multiple in silico algorithms, and/or has population frequency not consistent with disease.

Genetic Services Laboratory, University of Chicago
Classification: Likely benign. Last evaluated: 2013-03-07. Review status: criteria provided, single submitter. Criteria: ACMG Guidelines, 2007. Collection method: clinical testing. Allele origin: germline. Inheritance: Autosomal recessive inheritance.
Comment: Likely benign based on allele frequency in 1000 Genomes Project or ESP global frequency and its presence in a patient with a rare or unrelated disease phenotype. NOT Sanger confirmed

Breakthrough Genomics
Classification: Likely benign. Review status: criteria provided, single submitter. Criteria: ACMG Guidelines, 2015. Collection method: not provided. Allele origin: germline. Inheritance: Autosomal recessive inheritance. Affected: yes.

PreventionGenetics, part of Exact Sciences
Classification: Benign. Review status: criteria provided, single submitter. Criteria: ACMG Guidelines, 2015. Collection method: clinical testing. Allele origin: germline.

Natera, Inc.
Classification: Benign for Bilateral frontoparietal polymicrogyria. Last evaluated: 2020-09-16. Review status: no assertion criteria provided. Collection method: clinical testing. Allele origin: germline. Not counted in ClinVar's aggregate classification.

NM_201525.4(ADGRG1):c.843C>G (p.Ser281Arg)

Gene: ADGRG1 (adhesion G protein-coupled receptor G1; plus strand). Cytogenetic location: 16q21.
Variant type: single nucleotide variant.
Coding change: c.843C>G on transcript NM_201525.4 (MANE Select); coding-DNA position 843, C replaced by G.
Protein change: p.Ser281Arg; replaces serine 281 with arginine.
Molecular consequence: missense variant.
Genome position (GRCh38, 1-based): chr16:57,655,473, C>G. VCF-style: chr16-57655473-C-G. GRCh37 (hg19) VCF-style: chr16-57689385-C-G.
Other names: p.S281R:AGC>AGG; c.843C>G, p.Ser281Arg (NM_001145770.3, NM_001145771.3, NM_001145772.3 and 16 more transcripts); c.858C>G, p.Ser286Arg (NM_001145773.3, NM_001370433.1); c.333C>G, p.Ser111Arg (NM_001290142.2); c.318C>G, p.Ser106Arg (NM_001290143.2, NM_001290144.2, NM_001370451.1 and 2 more transcripts); c.687C>G, p.Ser229Arg (NM_001370442.1); short protein forms S281R, S106R, S286R, S111R, S229R.
Identifiers: ClinVar variation 137493 (VCV000137493.29), dbSNP rs1801257, ClinGen allele CA172259.